The following is an entry in ClinVar:

NM_001039141.3(TRIOBP):c.2654G>A (p.Arg885His)

Gene: TRIOBP (TRIO and F-actin binding protein; plus strand). Cytogenetic location: 22q13.1.
Variant type: single nucleotide variant.
Coding change: c.2654G>A on transcript NM_001039141.3 (MANE Select); coding-DNA position 2654, G replaced by A.
Protein change: p.Arg885His; replaces arginine 885 with histidine.
Molecular consequence: missense variant.
Genome position (GRCh38, 1-based): chr22:37,725,210, G>A. VCF-style: chr22-37725210-G-A. GRCh37 (hg19) VCF-style: chr22-38121217-G-A.
Other names: short protein forms R885H.
Identifiers: ClinVar variation 2368668 (VCV002368668.4), dbSNP rs567261735, ClinGen allele CA10223931.

ClinVar aggregate classification (germline): Uncertain significance. Review status: criteria provided, multiple submitters, no conflicts (2 of 4 stars). 2 submissions from 2 submitters: Uncertain significance (2). Last evaluated 2025-07-28.

Conditions:
Inborn genetic diseases. Identifiers: MedGen C0950123, MeSH D030342.

Allele frequency attached by ClinVar (database versions not stated): gnomAD 0.00004; TOPMed 0.00008; 1000 Genomes Project 30x 0.00016; 1000 Genomes Project 0.00020.

Submissions (2):

GeneDx
Classification: Uncertain significance. Last evaluated: 2025-07-28. Review status: criteria provided, single submitter. Criteria: GeneDx Variant Classification Process June 2021. Collection method: clinical testing. Allele origin: germline.
Comment: In silico analysis suggests that this missense variant does not alter protein structure/function; Has not been previously published as pathogenic or benign to our knowledge

Ambry Genetics
Classification: Uncertain significance for Inborn genetic diseases. Last evaluated: 2021-07-15. Review status: criteria provided, single submitter. Criteria: Ambry Variant Classification Scheme 2023. Collection method: clinical testing. Allele origin: germline.